The following is an entry in ClinVar:

ClinVar aggregate classification (germline): Uncertain significance. Review status: criteria provided, multiple submitters, no conflicts (2 of 4 stars). 2 submissions from 2 submitters: Uncertain significance (2). Last evaluated 2024-02-20.

Conditions:
Xanthinuria type II. Also called: Xanthine dehydrogenase and aldehyde oxidase combined deficiency of; XDH and AOX dual deficiency. Identifiers: Orphanet 3467, Orphanet 93602, MedGen C1863688, MONDO:0011346, OMIM 603592.

Allele frequency attached by ClinVar (database versions not stated): gnomAD 0.00002; TOPMed 0.00002; gnomAD exomes 0.00003; ExAC 0.00005; 1000 Genomes Project 30x 0.00016.
gnomAD v4.1: 53 of 1,614,118 alleles (0.0033%); highest among the groups gnomAD compares: Non-Finnish European, 0.0039%; no homozygotes.

Submissions (2):

Fulgent Genetics
Classification: Uncertain significance for Xanthinuria type II. Last evaluated: 2024-02-20. Review status: criteria provided, single submitter. Criteria: ACMG Guidelines, 2015. Collection method: clinical testing. Allele origin: germline.

Labcorp Genetics (formerly Invitae), Labcorp
Classification: Uncertain significance for Xanthinuria type II. Last evaluated: 2023-08-28. Review status: criteria provided, single submitter. Criteria: Invitae Variant Classification Sherloc (09022015). Collection method: clinical testing. Allele origin: germline.
Comment: This sequence change replaces arginine, which is basic and polar, with glutamine, which is neutral and polar, at codon 668 of the MOCOS protein (p.Arg668Gln). This variant is present in population databases (rs755763867, gnomAD 0.006%). This variant has not been reported in the literature in individuals affected with MOCOS-related conditions. ClinVar contains an entry for this variant (Variation ID: 2173183). Advanced modeling of protein sequence and biophysical properties (such as structural, functional, and spatial information, amino acid conservation, physicochemical variation, residue mobility, and thermodynamic stability) performed at Invitae indicates that this missense variant is not expected to disrupt MOCOS protein function. In summary, the available evidence is currently insufficient to determine the role of this variant in disease. Therefore, it has been classified as a Variant of Uncertain Significance.

NM_017947.4(MOCOS):c.2003G>A (p.Arg668Gln)

Gene: MOCOS (molybdenum cofactor sulfurase; plus strand). Cytogenetic location: 18q12.2.
Variant type: single nucleotide variant.
Coding change: c.2003G>A on transcript NM_017947.4 (MANE Select); coding-DNA position 2003, G replaced by A.
Protein change: p.Arg668Gln; replaces arginine 668 with glutamine.
Molecular consequence: missense variant.
Genome position (GRCh38, 1-based): chr18:36,248,964, G>A. VCF-style: chr18-36248964-G-A. GRCh37 (hg19) VCF-style: chr18-33828927-G-A.
Other names: short protein forms R668Q.
Identifiers: ClinVar variation 2173183 (VCV002173183.5), dbSNP rs755763867, ClinGen allele CA8940908.
Genomic context (GRCh38, chr18:36,248,964, plus strand): 5'-TTAACCTTTGTTCATTAGGGATGGAGCCTATAGAGGTGCCTCTTGAGGAAAATAGTGAAC[G>A]GACTCAGATTCGCCAAAGCAGGGTCTGTGCTGACAGGTGAGACTCTGAAGCACGTGAAAA-3'
Protein context (NP_060417.4, residues 658-678): IEVPLEENSE[Arg668Gln]TQIRQSRVCA